The following is an entry in ClinVar:

ClinVar aggregate classification (germline): Likely benign. Review status: criteria provided, multiple submitters, no conflicts (2 of 4 stars). 5 submissions from 5 submitters: Likely benign (4). 1 of the submissions does not count toward it. Last evaluated 2026-01-18.

Conditions:
Cardiovascular phenotype. Identifiers: MedGen CN230736.
Distal myopathy with posterior leg and anterior hand involvement. Also called: WILLIAMS DISTAL MYOPATHY. Identifiers: Orphanet 63273, MedGen C3279722, MONDO:0013550, OMIM 614065.
Hypertrophic cardiomyopathy 26. Also called: Cardiomyopathy, familial hypertrophic, 26. Identifiers: Orphanet 75249, MedGen C4310749, MONDO:0014883, OMIM 617047.
Myofibrillar myopathy 5. Also called: Filaminopathy (type); FILAMINOPATHY, AUTOSOMAL DOMINANT. Identifiers: Orphanet 171445, MedGen C1836050, MONDO:0012289, OMIM 609524.
FLNC-related disorder. Also called: FLNC-related disorders; FLNC-related condition.

Allele frequency attached by ClinVar (database versions not stated): gnomAD exomes 0.00003; TOPMed 0.00003; ExAC 0.00004; gnomAD 0.00005.
gnomAD v4.1: 51 of 1,613,900 alleles (0.0032%); highest among the groups gnomAD compares: Non-Finnish European, 0.0039%; no homozygotes.

Submissions (5):

Labcorp Genetics (formerly Invitae), Labcorp
Classification: Likely benign for Distal myopathy with posterior leg and anterior hand involvement; Myofibrillar myopathy 5; Hypertrophic cardiomyopathy 26. Last evaluated: 2026-01-18. Review status: criteria provided, single submitter. Criteria: Invitae Variant Classification Sherloc (09022015). Collection method: clinical testing. Allele origin: germline.

Molecular Diagnostic Laboratory for Inherited Cardiovascular Disease, Montreal Heart Institute
Classification: Likely benign. Last evaluated: 2025-04-09. Review status: criteria provided, single submitter. Criteria: ACMG Guidelines, 2015. Collection method: clinical testing. Allele origin: germline. Affected: no.
Comment: BP6;BP7

Blueprint Genetics
Classification: Likely benign. Last evaluated: 2024-11-18. Review status: criteria provided, single submitter. Criteria: ACMG Guidelines, 2015. Collection method: clinical testing. Allele origin: germline.

Ambry Genetics
Classification: Likely benign for Cardiovascular phenotype. Last evaluated: 2019-11-24. Review status: criteria provided, single submitter. Criteria: Ambry Variant Classification Scheme 2023. Collection method: clinical testing. Allele origin: germline.

PreventionGenetics, part of Exact Sciences
Classification: Likely benign for FLNC-related condition. Last evaluated: 2020-08-24. Review status: no assertion criteria provided. Collection method: clinical testing. Allele origin: germline. Not counted in ClinVar's aggregate classification.
Comment: This variant is classified as likely benign based on ACMG/AMP sequence variant interpretation guidelines (Richards et al. 2015 PMID: 25741868, with internal and published modifications).

NM_001458.5(FLNC):c.1851A>G (p.Glu617=)

Gene: FLNC (filamin C; plus strand). Cytogenetic location: 7q32.1.
Variant type: single nucleotide variant.
Coding change: c.1851A>G on transcript NM_001458.5 (MANE Select); coding-DNA position 1851, A replaced by G.
Protein change: p.Glu617=; no amino-acid change (glutamic acid 617 retained).
Molecular consequence: synonymous variant.
Genome position (GRCh38, 1-based): chr7:128,841,207, A>G. VCF-style: chr7-128841207-A-G. GRCh37 (hg19) VCF-style: chr7-128481261-A-G.
Other names: c.1851A>G, p.Glu617= (NM_001127487.2).
Identifiers: ClinVar variation 774758 (VCV000774758.15), dbSNP rs199715890, ClinGen allele CA4474517.